The following is an entry in ClinVar:

ClinVar aggregate classification (germline): Uncertain significance. Review status: criteria provided, single submitter (1 of 4 stars). 2 submissions from 2 submitters: Uncertain significance (1). 1 of the submissions does not count toward it. Last evaluated 2022-09-07.

Conditions:
Charcot-Marie-Tooth disease. Also called: Charcot-Marie-Tooth Hereditary Neuropathy; Charcot-Marie-Tooth Neuropathy. Identifiers: Orphanet 166, MedGen C0007959, MONDO:0015626.
Charcot-Marie-Tooth disease axonal type 2F (CMT2F). Also called: CHARCOT-MARIE-TOOTH DISEASE, NEURONAL, TYPE 2F; Charcot-Marie-Tooth Neuropathy Type 2F. Identifiers: Orphanet 99940, MedGen C1847823, MONDO:0011687, OMIM 606595.

Submissions (2):

Labcorp Genetics (formerly Invitae), Labcorp
Classification: Uncertain significance for Charcot-Marie-Tooth disease axonal type 2F. Last evaluated: 2022-09-07. Review status: criteria provided, single submitter. Criteria: Invitae Variant Classification Sherloc (09022015). Collection method: clinical testing. Allele origin: germline.
Comment: In summary, the available evidence is currently insufficient to determine the role of this variant in disease. Therefore, it has been classified as a Variant of Uncertain Significance. This sequence change replaces lysine, which is basic and polar, with glutamine, which is neutral and polar, at codon 141 of the HSPB1 protein (p.Lys141Gln). This variant is not present in population databases (gnomAD no frequency). This missense change has been observed in individuals with clinical features of HSPB1-related conditions (PMID: 18952241, 25088881). ClinVar contains an entry for this variant (Variation ID: 637260). Algorithms developed to predict the effect of missense changes on protein structure and function are either unavailable or do not agree on the potential impact of this missense change (SIFT: "Tolerated"; PolyPhen-2: "Possibly Damaging"; Align-GVGD: "Class C0"). Experimental studies are conflicting or provide insufficient evidence to determine the effect of this variant on HSPB1 function (PMID: 23643870, 28000086).

Inherited Neuropathy Consortium
Classification: Uncertain significance for Charcot-Marie-Tooth disease. Review status: no assertion criteria provided. Collection method: literature only. Allele origin: germline. Affected: yes. Not counted in ClinVar's aggregate classification.

Literature cited by the submitters: PubMed 18952241 (cited by Labcorp Genetics (formerly Invitae), Labcorp and Inherited Neuropathy Consortium); PubMed 25088881 (cited by Labcorp Genetics (formerly Invitae), Labcorp); PubMed 23643870 (cited by Labcorp Genetics (formerly Invitae), Labcorp); PubMed 28000086 (cited by Labcorp Genetics (formerly Invitae), Labcorp).

NM_001540.5(HSPB1):c.421A>C (p.Lys141Gln)

Gene: HSPB1 (heat shock protein family B (small) member 1; plus strand). Cytogenetic location: 7q11.23.
Variant type: single nucleotide variant.
Coding change: c.421A>C on transcript NM_001540.5 (MANE Select); coding-DNA position 421, A replaced by C.
Protein change: p.Lys141Gln; replaces lysine 141 with glutamine.
Molecular consequence: missense variant.
Genome position (GRCh38, 1-based): chr7:76,303,858, A>C. VCF-style: chr7-76303858-A-C. GRCh37 (hg19) VCF-style: chr7-75933175-A-C.
Other names: c.421A>C (LRG_248t1); short protein forms K141Q.
Identifiers: ClinVar variation 637260 (VCV000637260.6), dbSNP rs1554614650, ClinGen allele CA367765558.